The following is an entry in ClinVar:

NM_001040142.2(SCN2A):c.3400-344A>G

Gene: SCN2A (sodium voltage-gated channel alpha subunit 2; plus strand). Cytogenetic location: 2q24.3.
Variant type: single nucleotide variant.
Coding change: c.3400-344A>G on transcript NM_001040142.2 (MANE Select); 344 bases into the intron before coding-DNA position 3400, A replaced by G.
Molecular consequence: intron variant.
Genome position (GRCh38, 1-based): chr2:165,364,799, A>G. VCF-style: chr2-165364799-A-G. GRCh37 (hg19) VCF-style: chr2-166221309-A-G.
Other names: c.3400-344A>G (NM_001040143.2, NM_001371246.1, NM_001371247.1 and 1 more transcripts).
Identifiers: ClinVar variation 684242 (VCV000684242.1), dbSNP rs3769950, ClinGen allele CA11259651.

ClinVar aggregate classification (germline): Benign (1 of 4 stars; one submission).

Allele frequency attached by ClinVar (database versions not stated): TOPMed 0.22422; 1000 Genomes Project 30x 0.22720; 1000 Genomes Project 0.23762; gnomAD 0.24108 and 0.24353.

Submission:

GeneDx
Classification: Benign. Last evaluated: 2018-06-18. Review status: criteria provided, single submitter. Criteria: GeneDx Variant Classification (06012015). Collection method: clinical testing. Allele origin: germline. Affected: yes.
Comment: This variant is considered likely benign or benign based on one or more of the following criteria: it is a conservative change, it occurs at a poorly conserved position in the protein, it is predicted to be benign by multiple in silico algorithms, and/or has population frequency not consistent with disease.